The following is an entry in ClinVar:

ClinVar aggregate classification (germline): Uncertain significance (1 of 4 stars; one submission).

Submission:

GeneDx
Classification: Uncertain significance. Last evaluated: 2022-11-28. Review status: criteria provided, single submitter. Criteria: GeneDx Variant Classification Process June 2021. Collection method: clinical testing. Allele origin: germline. Affected: yes.
Comment: Not observed at significant frequency in large population cohorts (gnomAD); In silico analysis supports that this missense variant has a deleterious effect on protein structure/function; Has not been previously published as pathogenic or benign to our knowledge

NM_007325.5(GRIA3):c.490C>G (p.Leu164Val)

Gene: GRIA3 (glutamate ionotropic receptor AMPA type subunit 3; plus strand). Cytogenetic location: Xq25.
Variant type: single nucleotide variant.
Coding change: c.490C>G on transcript NM_007325.5 (MANE Select); coding-DNA position 490, C replaced by G.
Protein change: p.Leu164Val; replaces leucine 164 with valine.
Molecular consequence: missense variant.
Genome position (GRCh38, 1-based): chrX:123,253,524, C>G. VCF-style: chrX-123253524-C-G. GRCh37 (hg19) VCF-style: chrX-122387375-C-G.
Other names: c.490C>G, p.Leu164Val (NM_000828.5); short protein forms L164V.
Identifiers: ClinVar variation 2503371 (VCV002503371.1), dbSNP rs2520693918, ClinGen allele CA414261051.